The following is an entry in ClinVar:

ClinVar aggregate classification (germline): Likely pathogenic (1 of 4 stars; one submission).

Submission:

CeGaT Center for Human Genetics Tuebingen
Classification: Likely pathogenic. Last evaluated: 2025-06-01. Review status: criteria provided, single submitter. Criteria: CeGaT Center For Human Genetics Tuebingen Variant Classification Criteria Version 2. Collection method: clinical testing. Allele origin: germline. Affected: yes. Observed: 1 variant allele.
Comment: RYR1: PVS1:Strong, PM2

NM_000540.3(RYR1):c.10450delinsCT (p.Ile3484fs)

Gene: RYR1 (ryanodine receptor 1; plus strand). Cytogenetic location: 19q13.2.
Variant type: Indel.
Coding change: c.10450delinsCT on transcript NM_000540.3 (MANE Select); coding-DNA position 10450, A replaced by CT.
Protein change: p.Ile3484fs; shifts the reading frame from isoleucine 3484.
Molecular consequence: frameshift variant. On other transcripts: intron variant (1).
Genome position (GRCh38, 1-based): chr19:38,523,924, A replaced by CT. VCF-style: chr19-38523924-A-CT. GRCh37 (hg19) VCF-style: chr19-39014564-A-CT.
Other names: c.10440+615delinsCT (NM_001042723.2); short protein forms I3484fs.
Identifiers: ClinVar variation 4085989 (VCV004085989.8).